The following is an entry in ClinVar:

NM_198904.4(GABRG2):c.1087C>G (p.Arg363Gly)

Gene: GABRG2 (gamma-aminobutyric acid type A receptor subunit gamma2; plus strand). Cytogenetic location: 5q34.
Variant type: single nucleotide variant.
Coding change: c.1087C>G on transcript NM_198904.4 (MANE Select); coding-DNA position 1087, C replaced by G.
Protein change: p.Arg363Gly; replaces arginine 363 with glycine.
Molecular consequence: missense variant. On other transcripts: intron variant (1).
Genome position (GRCh38, 1-based): chr5:162,149,272, C>G. VCF-style: chr5-162149272-C-G. GRCh37 (hg19) VCF-style: chr5-161576278-C-G.
Other names: c.1087C>G, p.Arg363Gly (NM_000816.3); c.1078C>G, p.Arg360Gly (NM_001375339.1); c.1084C>G, p.Arg362Gly (NM_001375341.1, NM_001375342.1); c.1207C>G, p.Arg403Gly (NM_001375343.1, NM_198903.2); c.1126C>G, p.Arg376Gly (NM_001375344.1); c.1021C>G, p.Arg341Gly (NM_001375345.1, NM_001375346.1); c.1000C>G, p.Arg334Gly (NM_001375347.1); c.667C>G, p.Arg223Gly (NM_001375348.1, NM_001375350.1); and 2 more; short protein forms R223G, R268G, R334G, R341G, R360G, R362G, R363G, R376G.
Identifiers: ClinVar variation 1695687 (VCV001695687.8), dbSNP rs374512652, ClinGen allele CA362182651.

ClinVar aggregate classification (germline): Uncertain significance. Review status: criteria provided, multiple submitters, no conflicts (2 of 4 stars). 2 submissions from 2 submitters: Uncertain significance (2). Last evaluated 2022-11-08.

Conditions:
EPILEPSY, CHILDHOOD ABSENCE, SUSCEPTIBILITY TO, 2 (ECA2). Identifiers: Orphanet 64280, MedGen C1843244, OMIM 607681.
Febrile seizures, familial, 8 (FEB8). Also called: CONVULSIONS, FAMILIAL FEBRILE, 8. Identifiers: Orphanet 36387, MedGen C1969810, MONDO:0011891, OMIM 607681.

gnomAD v4.1: 1 of 1,614,016 alleles (0.000062%); highest among the groups gnomAD compares: Non-Finnish European, 0.000085%; no homozygotes.

Submissions (2):

GeneDx
Classification: Uncertain significance. Last evaluated: 2022-11-08. Review status: criteria provided, single submitter. Criteria: GeneDx Variant Classification Process June 2021. Collection method: clinical testing. Allele origin: germline. Affected: yes.
Comment: Not observed at significant frequency in large population cohorts (gnomAD); In silico analysis supports that this missense variant has a deleterious effect on protein structure/function; Has not been previously published as pathogenic or benign to our knowledge

Labcorp Genetics (formerly Invitae), Labcorp
Classification: Uncertain significance for Febrile seizures, familial, 8; EPILEPSY, CHILDHOOD ABSENCE, SUSCEPTIBILITY TO, 2. Last evaluated: 2022-03-19. Review status: criteria provided, single submitter. Criteria: Invitae Variant Classification Sherloc (09022015). Collection method: clinical testing. Allele origin: germline.
Comment: This variant is not present in population databases (gnomAD no frequency). In summary, the available evidence is currently insufficient to determine the role of this variant in disease. Therefore, it has been classified as a Variant of Uncertain Significance. Advanced modeling of protein sequence and biophysical properties (such as structural, functional, and spatial information, amino acid conservation, physicochemical variation, residue mobility, and thermodynamic stability) performed at Invitae indicates that this missense variant is expected to disrupt GABRG2 protein function. This variant has not been reported in the literature in individuals affected with GABRG2-related conditions. This sequence change replaces arginine, which is basic and polar, with glycine, which is neutral and non-polar, at codon 363 of the GABRG2 protein (p.Arg363Gly).